The following is an entry in ClinVar:

NM_001267550.2(TTN):c.101830A>T (p.Asn33944Tyr)

Genes: TTN (titin; minus strand), TTN-AS1 (TTN antisense RNA 1; plus strand). Cytogenetic location: 2q31.2.
Variant type: single nucleotide variant.
Coding change: c.101830A>T on transcript NM_001267550.2 (MANE Select); coding-DNA position 101830, A replaced by T.
Protein change: p.Asn33944Tyr; replaces asparagine 33944 with tyrosine.
Molecular consequence: missense variant.
Genome position (GRCh38, 1-based): chr2:178,534,785, T>A on the plus strand (A>T on the coding strand, the complement: TTN is on the minus strand). VCF-style: chr2-178534785-T-A. GRCh37 (hg19) VCF-style: chr2-179399512-T-A.
Other names: c.96907A>T, p.Asn32303Tyr (NM_001256850.1); c.74635A>T, p.Asn24879Tyr (NM_003319.4); c.94126A>T, p.Asn31376Tyr (NM_133378.4); c.75010A>T, p.Asn25004Tyr (NM_133432.3); c.75211A>T, p.Asn25071Tyr (NM_133437.4); short protein forms N25071Y, N31376Y, N33944Y, N25004Y, N32303Y, N24879Y.
Identifiers: ClinVar variation 2087811 (VCV002087811.3), dbSNP rs1690702377, ClinGen allele CA349419290.

ClinVar aggregate classification (germline): Uncertain significance (1 of 4 stars; one submission).

Conditions:
Autosomal recessive limb-girdle muscular dystrophy type 2J (LGMDR10). Also called: Limb-girdle muscular dystrophy, type 2J; MUSCULAR DYSTROPHY, LIMB-GIRDLE, AUTOSOMAL RECESSIVE 10. Identifiers: Orphanet 140922, MedGen C1837342, MONDO:0012127, OMIM 608807.
Dilated cardiomyopathy 1G (CMD1G). Identifiers: Orphanet 154, MedGen C1858763, MONDO:0011400, OMIM 604145.

Allele frequency attached by ClinVar (database versions not stated): gnomAD exomes below 0.00001; TOPMed below 0.00001.
gnomAD v4.1: 3 of 1,612,896 alleles (0.00019%); highest among the groups gnomAD compares: Non-Finnish European, 0.00017%; no homozygotes.

Submission:

Labcorp Genetics (formerly Invitae), Labcorp
Classification: Uncertain significance for Dilated cardiomyopathy 1G; Autosomal recessive limb-girdle muscular dystrophy type 2J. Last evaluated: 2025-05-19. Review status: criteria provided, single submitter. Criteria: Invitae Variant Classification Sherloc (09022015). Collection method: clinical testing. Allele origin: germline.
Comment: This sequence change replaces asparagine, which is neutral and polar, with tyrosine, which is neutral and polar, at codon 33944 of the TTN protein (p.Asn33944Tyr). This variant is not present in population databases (gnomAD no frequency). This variant has not been reported in the literature in individuals affected with TTN-related conditions. ClinVar contains an entry for this variant (Variation ID: 2087811). Experimental studies and prediction algorithms are not available or were not evaluated, and the functional significance of this variant is currently unknown. This variant is located in the M band of TTN (PMID: 25589632). Non-truncating variants in this region may be relevant for neuromuscular disorders, but have not been definitively shown to cause cardiomyopathy (PMID: 23975875). In summary, the available evidence is currently insufficient to determine the role of this variant in disease. Therefore, it has been classified as a Variant of Uncertain Significance.

Literature cited by the submitters: PubMed 25589632; PubMed 23975875.